The following is an entry in ClinVar:

NM_001042492.3(NF1):c.5314del (p.Val1772fs)

Gene: NF1 (neurofibromin 1; plus strand). Cytogenetic location: 17q11.2.
Variant type: Deletion.
Coding change: c.5314del on transcript NM_001042492.3 (MANE Select); coding-DNA position 5314, one base deleted (G; older notation c.5314delG).
Protein change: p.Val1772fs; shifts the reading frame from valine 1772.
Molecular consequence: frameshift variant.
Genome position (GRCh38, 1-based): chr17:31,327,544, G deleted. VCF-style (leftmost placement, unchanged base first): chr17-31327543-AG-A. GRCh37 (hg19) VCF-style: chr17-29654561-AG-A.
Other names: c.5251delG, p.Val1751Serfs (NM_000267.4); short protein forms V1751fs, V1772fs.
Identifiers: ClinVar variation 3381925 (VCV003381925.2).
Genomic context (GRCh38, chr17:31,327,543, plus strand): 5'-CACCACCACTTTCCAGGTTGGTTCTACTGCTGTCCAAGTAACTTCAGCAGAGCGAACAAA[AG>A]TCCTAGGGCAATCAGTCTTTCTAAATGACATTTATTATGCTTCGGAAATTGAAGAAATCT-3'

ClinVar aggregate classification (germline): Pathogenic (1 of 4 stars; one submission).

Conditions:
Neurofibromatosis, type 1 (NF1). Also called: Neurofibromatosis, type I; VON RECKLINGHAUSEN DISEASE; NEUROFIBROMATOSIS, TYPE I, SOMATIC; Peripheral type neurofibromatosis. Identifiers: Orphanet 636, MedGen C0027831, MONDO:0018975, OMIM 162200. Disease mechanism: loss of function.

Submission:

Juno Genomics, Hangzhou Juno Genomics, Inc
Classification: Pathogenic for Neurofibromatosis, type 1. Review status: criteria provided, single submitter. Criteria: ACMG Guidelines, 2015. Collection method: clinical testing. Allele origin: germline. Affected: yes.
Comment: Absent from controls (or at extremely low frequency if recessive) in Genome Aggregation Database, Exome Sequencing Project, 1000 Genomes Project, or Exome Aggregation Consortium.;Null variant in a gene where loss of function (LOF) is a known mechanism of disease.;Assumed de novo, but without confirmation of paternity and maternity.